The following is an entry in ClinVar:

NM_001715.3(BLK):c.859G>A (p.Val287Met)

Genes: BLK (BLK proto-oncogene, Src family tyrosine kinase), BLK-AS1 (BLK antisense RNA 1). Cytogenetic location: 8p23.1.
Variant type: single nucleotide variant.
Coding change: c.859G>A on transcript NM_001715.3 (MANE Select); coding-DNA position 859, G replaced by A.
Protein change: p.Val287Met; replaces valine 287 with methionine.
Molecular consequence: missense variant.
Genome position (GRCh38, 1-based): chr8:11,556,744, G>A. VCF-style: chr8-11556744-G-A. GRCh37 (hg19) VCF-style: chr8-11414253-G-A.
Other names: c.646G>A, p.Val216Met (NM_001330465.2); short protein forms V216M, V287M.
Identifiers: ClinVar variation 1331414 (VCV001331414.4), dbSNP rs1042687, ClinGen allele CA4630127.
Genomic context (GRCh38, chr8:11,556,744, plus strand): 5'-GCCATTAAGACGCTGAAGGAGGGAACCATGTCTCCAGAAGCCTTTCTGGGTGAGGCCAAC[G>A]TGATGAAGGCTCTGCAGCACGAGCGGCTGGTCCGACTCTACGCAGTGGTCACCAAGGAGC-3'
Protein context (NP_001706.2, residues 277-297): SPEAFLGEAN[Val287Met]MKALQHERLV

ClinVar aggregate classification (germline): Likely benign. Review status: criteria provided, multiple submitters, no conflicts (2 of 4 stars). 4 submissions from 4 submitters: Likely benign (4). Last evaluated 2025-07-21.

Conditions:
Maturity-onset diabetes of the young type 11. Identifiers: Orphanet 552, MedGen C3150618, MONDO:0013242, OMIM 613375.

Allele frequency attached by ClinVar (database versions not stated): gnomAD 0.00007 and 0.00012; TOPMed 0.00007; gnomAD exomes 0.00014 and 0.00028; 1000 Genomes Project 30x 0.00016; 1000 Genomes Project 0.00020; ESP Exome Variant Server 0.00023; ExAC 0.00031.
gnomAD v4.1: 229 of 1,614,234 alleles (0.014%); highest among the groups gnomAD compares: South Asian, 0.2%; 1 homozygote.

Submissions (4):

Labcorp Genetics (formerly Invitae), Labcorp
Classification: Likely benign. Last evaluated: 2025-07-21. Review status: criteria provided, single submitter. Criteria: Invitae Variant Classification Sherloc (09022015). Collection method: clinical testing. Allele origin: germline.

Blueprint Genetics
Classification: Likely benign. Last evaluated: 2023-04-26. Review status: criteria provided, single submitter. Criteria: ACMG Guidelines, 2015. Collection method: clinical testing. Allele origin: germline.

Fulgent Genetics
Classification: Likely benign for Maturity-onset diabetes of the young type 11. Last evaluated: 2022-01-01. Review status: criteria provided, single submitter. Criteria: ACMG Guidelines, 2015. Collection method: clinical testing. Allele origin: unknown.

Women's Health and Genetics/Laboratory Corporation of America, LabCorp
Classification: Likely benign. Last evaluated: 2021-12-15. Review status: criteria provided, single submitter. Criteria: LabCorp Variant Classification Summary - May 2015. Collection method: clinical testing. Allele origin: germline.
Comment: Variant summary: BLK c.859G>A (p.Val287Met) results in a conservative amino acid change located in the Protein kinase domain of the encoded protein sequence. Five of five in-silico tools predict a benign effect of the variant on protein function. The variant allele was found at a frequency of 0.00028 in 251476 control chromosomes. The observed variant frequency is approximately 1837.15 fold of the estimated maximal expected allele frequency for a pathogenic variant in BLK causing Monogenic Diabetes phenotype (1.5e-07), strongly suggesting that the variant is benign. c.859G>A has been reported in the literature in an individual affected with Diabetes (Johansson_2017), without strong evidence for causality. This reports does not provide unequivocal conclusions about association of the variant with Monogenic Diabetes. To our knowledge, no experimental evidence demonstrating an impact on protein function has been reported. No clinical diagnostic laboratories have submitted clinical-significance assessments for this variant to ClinVar after 2014. Based on the evidence outlined above, the variant was classified as likely benign.

Literature cited by the submitters: PubMed 27913849 (cited by Women's Health and Genetics/Laboratory Corporation of America, LabCorp).